The following is an entry in ClinVar:

NM_020732.3:c.1009G>A

Gene: ARID1B (AT-rich interaction domain 1B; plus strand).
Variant type: single nucleotide variant.
Other names: c.1009G>A (NM_020732.3).
Identifiers: ClinVar variation 4530820 (VCV004530820.1).

ClinVar aggregate classification (germline): Uncertain significance (1 of 4 stars; one submission).

Submission:

GeneDx
Classification: Uncertain significance. Last evaluated: 2025-05-22. Review status: criteria provided, single submitter. Criteria: GeneDx Variant Classification Process June 2021. Collection method: clinical testing. Allele origin: germline. Affected: yes.
Comment: Not observed at significant frequency in large population cohorts (gnomAD); In silico analysis suggests that this missense variant does not alter protein structure/function; Has not been previously published as pathogenic or benign to our knowledge